The following is an entry in ClinVar:

ClinVar aggregate classification (germline): Pathogenic (1 of 4 stars; one submission).

Conditions:
Supravalvar aortic stenosis (SVAS). Also called: Supravalvar aortic stenosis, Eisenberg type. Identifiers: Orphanet 3193, MedGen C0003499, MONDO:0008504, OMIM 185500, HP:0004381.

Submission:

Labcorp Genetics (formerly Invitae), Labcorp
Classification: Pathogenic for Supravalvar aortic stenosis. Last evaluated: 2020-04-28. Review status: criteria provided, single submitter. Criteria: Invitae Variant Classification Sherloc (09022015). Collection method: clinical testing. Allele origin: germline.
Comment: For these reasons, this variant has been classified as Pathogenic. Loss-of-function variants in ELN are known to be pathogenic (PMID: 11175284). This variant has not been reported in the literature in individuals with ELN-related conditions. This variant is not present in population databases (ExAC no frequency). This sequence change creates a premature translational stop signal (p.Ala304Cysfs*6) in the ELN gene. It is expected to result in an absent or disrupted protein product.

Literature cited by the submitters: PubMed 11175284.

NM_000501.4(ELN):c.909_916del (p.Ala304fs)

Gene: ELN (elastin; plus strand). Cytogenetic location: 7q11.23.
Variant type: Deletion.
Coding change: c.909_916del on transcript NM_000501.4 (MANE Select); coding-DNA positions 909 to 916, 8 bases deleted (AGCTGCAG; older notation c.909_916delAGCTGCAG).
Protein change: p.Ala304fs; shifts the reading frame from alanine 304.
Molecular consequence: frameshift variant.
Genome position (GRCh38, 1-based): chr7:74,051,943-74,051,950, AGCTGCAG deleted. VCF-style (leftmost placement, unchanged base first): chr7-74051942-CAGCTGCAG-C. GRCh37 (hg19) VCF-style: chr7-73466272-CAGCTGCAG-C.
Other names: c.879_886del, p.Ala294fs (NM_001081752.3, NM_001278917.2); c.924_931del, p.Ala309fs (NM_001081753.3, NM_001081754.3); c.909_916del, p.Ala304fs (NM_001081755.3, NM_001278912.2, NM_001278915.2 and 1 more transcripts); c.801_808del, p.Ala268fs (NM_001278913.2); c.894_901del, p.Ala299fs (NM_001278914.2); c.867_874del, p.Ala290fs (NM_001278916.2); c.777_784del, p.Ala260fs (NM_001278918.2); short protein forms A260fs, A268fs, A290fs, A294fs, A299fs, A304fs, A309fs.
Identifiers: ClinVar variation 1076698 (VCV001076698.7), dbSNP rs2131856285, ClinGen allele CA2499219015.
Genomic context (GRCh38, chr7:74,051,942, plus strand): 5'-GCCACAGGGCAAGGACCTCACCCTCTGTGGCTGTGTTTTCAGGCGTTGGGACTCCAGCTG[CAGCTGCAG>C]CTGCAGCAGCAGCCGCTAAGGCAGCCAAGTATGGTGAGTGCCTCCCGGGGTGGCAAGTCC-3'